The following is an entry in ClinVar:

ClinVar aggregate classification (germline): Likely benign. Review status: criteria provided, multiple submitters, no conflicts (2 of 4 stars). 2 submissions from 2 submitters: Likely benign (2). Last evaluated 2025-12-20.

Allele frequency attached by ClinVar (database versions not stated): TOPMed 0.00008; gnomAD 0.00009 and 0.00015; 1000 Genomes Project 30x 0.00016; 1000 Genomes Project 0.00020.
gnomAD v4.1: 272 of 1,605,314 alleles (0.017%); highest among the groups gnomAD compares: South Asian, 0.19%; 6 homozygotes.

Submissions (2):

Labcorp Genetics (formerly Invitae), Labcorp
Classification: Likely benign. Last evaluated: 2025-12-20. Review status: criteria provided, single submitter. Criteria: Invitae Variant Classification Sherloc (09022015). Collection method: clinical testing. Allele origin: germline.

CeGaT Center for Human Genetics Tuebingen
Classification: Likely benign. Last evaluated: 2025-09-01. Review status: criteria provided, single submitter. Criteria: CeGaT Center For Human Genetics Tuebingen Variant Classification Criteria Version 2. Collection method: clinical testing. Allele origin: germline. Affected: yes. Observed: 6 variant alleles.
Comment: TRAPPC9: BP4, BS2

NM_001160372.4(TRAPPC9):c.3125G>A (p.Arg1042His)

Gene: TRAPPC9 (trafficking protein particle complex subunit 9; minus strand). Cytogenetic location: 8q24.3.
Variant type: single nucleotide variant.
Coding change: c.3125G>A on transcript NM_001160372.4 (MANE Select); coding-DNA position 3125, G replaced by A.
Protein change: p.Arg1042His; replaces arginine 1042 with histidine.
Molecular consequence: missense variant. On other transcripts: non-coding transcript variant (1).
Genome position (GRCh38, 1-based): chr8:139,732,133, C>T on the plus strand (G>A on the coding strand, the complement: TRAPPC9 is on the minus strand). VCF-style: chr8-139732133-C-T. GRCh37 (hg19) VCF-style: chr8-140744376-C-T.
Other names: c.3098G>A, p.Arg1033His (NM_001321646.2); c.3146G>A, p.Arg1049His (NM_001374682.1); c.3014G>A, p.Arg1005His (NM_001374683.1); c.2981G>A, p.Arg994His (NM_001374684.1); c.3125G>A, p.Arg1042His (NM_031466.8); short protein forms R1005H, R1033H, R1049H, R1042H, R994H.
Identifiers: ClinVar variation 726505 (VCV000726505.32), dbSNP rs202042166, ClinGen allele CA4892799.